The following is an entry in ClinVar:

NM_001382391.1(CSPP1):c.2910G>C (p.Lys970Asn)

Gene: CSPP1 (centrosome and spindle pole associated protein 1; plus strand). Cytogenetic location: 8q13.2.
Variant type: single nucleotide variant.
Coding change: c.2910G>C on transcript NM_001382391.1 (MANE Select); coding-DNA position 2910, G replaced by C.
Protein change: p.Lys970Asn; replaces lysine 970 with asparagine.
Molecular consequence: missense variant.
Genome position (GRCh38, 1-based): chr8:67,172,497, G>C. VCF-style: chr8-67172497-G-C. GRCh37 (hg19) VCF-style: chr8-68084732-G-C.
Other names: c.1860G>C, p.Lys620Asn (NM_001291339.2); c.2829G>C, p.Lys943Asn (NM_001363131.2); c.2715G>C, p.Lys905Asn (NM_001363132.2); c.2634G>C, p.Lys878Asn (NM_001363133.2); c.2976G>C, p.Lys992Asn (NM_001364869.1); c.2796G>C, p.Lys932Asn (NM_001364870.1); c.2895G>C, p.Lys965Asn (NM_024790.7); short protein forms K620N, K878N, K905N, K932N, K943N, K965N, K970N, K992N.
Identifiers: ClinVar variation 999534 (VCV000999534.8), dbSNP rs766939685, ClinGen allele CA4770985.

ClinVar aggregate classification (germline): Uncertain significance (1 of 4 stars; one submission).

Conditions:
Joubert syndrome 21 (JBTS21). Identifiers: MedGen C3810212, MONDO:0014288, OMIM 615636.

Allele frequency attached by ClinVar (database versions not stated): gnomAD exomes below 0.00001; ExAC 0.00001; gnomAD 0.00001; TOPMed 0.00002.
gnomAD v4.1: 7 of 1,613,540 alleles (0.00043%); highest among the groups gnomAD compares: African/African-American, 0.008%; no homozygotes.

Submission:

Labcorp Genetics (formerly Invitae), Labcorp
Classification: Uncertain significance for Joubert syndrome 21. Last evaluated: 2024-01-31. Review status: criteria provided, single submitter. Criteria: Invitae Variant Classification Sherloc (09022015). Collection method: clinical testing. Allele origin: germline.
Comment: This sequence change replaces lysine, which is basic and polar, with asparagine, which is neutral and polar, at codon 965 of the CSPP1 protein (p.Lys965Asn). This variant is present in population databases (rs766939685, gnomAD 0.007%). This variant has not been reported in the literature in individuals affected with CSPP1-related conditions. ClinVar contains an entry for this variant (Variation ID: 999534). An algorithm developed to predict the effect of missense changes on protein structure and function (PolyPhen-2) suggests that this variant is likely to be disruptive. In summary, the available evidence is currently insufficient to determine the role of this variant in disease. Therefore, it has been classified as a Variant of Uncertain Significance.